The following is an entry in ClinVar:

NM_000540.3(RYR1):c.13295del (p.Gly4432fs)

Genes: RYR1 (ryanodine receptor 1; plus strand), LOC130064357 (ATAC-STARR-seq lymphoblastoid silent region 10577; plus strand). Cytogenetic location: 19q13.2.
Variant type: Deletion.
Coding change: c.13295del on transcript NM_000540.3 (MANE Select); coding-DNA position 13295, one base deleted (G; older notation c.13295delG).
Protein change: p.Gly4432fs; shifts the reading frame from glycine 4432.
Molecular consequence: frameshift variant.
Genome position (GRCh38, 1-based): chr19:38,565,629, G deleted; the last of 3 consecutive G bases (chr19:38,565,627-38,565,629); deleting any one gives the same sequence. VCF-style (leftmost placement, unchanged base first): chr19-38565626-CG-C. GRCh37 (hg19) VCF-style: chr19-39056266-CG-C.
Other names: c.13295delG (NM_000540.2); c.13280del, p.Gly4427fs (NM_001042723.2); short protein forms G4432fs, G4427fs.
Identifiers: ClinVar variation 571378 (VCV000571378.7), dbSNP rs1568584027, ClinGen allele CA891843967.

ClinVar aggregate classification (germline): Pathogenic (1 of 4 stars; one submission).

Conditions:
RYR1-related disorder. Also called: RYR1-related disorders; RYR1-related condition. Identifiers: MedGen CN239331.

Submission:

Labcorp Genetics (formerly Invitae), Labcorp
Classification: Pathogenic for RYR1-related disorder. Last evaluated: 2023-04-06. Review status: criteria provided, single submitter. Criteria: Invitae Variant Classification Sherloc (09022015). Collection method: clinical testing. Allele origin: germline.
Comment: For these reasons, this variant has been classified as Pathogenic. ClinVar contains an entry for this variant (Variation ID: 571378). This variant has not been reported in the literature in individuals affected with RYR1-related conditions. This variant is not present in population databases (gnomAD no frequency). This sequence change creates a premature translational stop signal (p.Gly4432Alafs*9) in the RYR1 gene. It is expected to result in an absent or disrupted protein product. Loss-of-function variants in RYR1 are known to be pathogenic (PMID: 23919265, 25960145, 28818389, 30611313).

Literature cited by the submitters: PubMed 23919265; PubMed 25960145; PubMed 28818389; PubMed 30611313.